The following is an entry in ClinVar:

ClinVar aggregate classification (germline): Uncertain significance. Review status: criteria provided, multiple submitters, no conflicts (2 of 4 stars). 2 submissions from 2 submitters: Uncertain significance (2). Last evaluated 2025-12-31.

Conditions:
LAMA2-related muscular dystrophy (LAMA2-RD). Also called: Laminin alpha 2-related dystrophy. Identifiers: MedGen C5679788, MONDO:0100228.
Congenital muscular dystrophy due to partial LAMA2 deficiency. Identifiers: MedGen C1842898.

Submissions (2):

Myriad Genetics, Inc.
Classification: Uncertain significance for LAMA2-related muscular dystrophy. Last evaluated: 2025-12-31. Review status: criteria provided, single submitter. Criteria: Myriad Autosomal Dominant, Autosomal Recessive and X-Linked Classification Criteria (2023). Collection method: clinical testing. Allele origin: unknown.
Comment: NM_000426.3(LAMA2):c.818G>A(R273K) is a missense variant classified as a variant of uncertain significance in the context of muscular dystrophy, LAMA2-related. R273K has been observed in cases with relevant disease (PMID: 29225264, 30055037). Relevant functional assessments of this variant are not available in the literature. R273K has not been observed in referenced population frequency databases. In summary, there is insufficient evidence to classify NM_000426.3(LAMA2):c.818G>A(R273K) as pathogenic or benign. Please note: this variant was assessed in the context of healthy population screening.

Illumina Laboratory Services, Illumina
Classification: Uncertain significance for Congenital muscular dystrophy due to partial LAMA2 deficiency. Last evaluated: 2018-01-13. Review status: criteria provided, single submitter. Criteria: ICSL Variant Classification Criteria 13 December 2019. Collection method: clinical testing. Allele origin: germline.

Literature cited by the submitters: PubMed 29225264 (cited by Myriad Genetics, Inc.); PubMed 30055037 (cited by Myriad Genetics, Inc.).

NM_000426.4(LAMA2):c.818G>A (p.Arg273Lys)

Gene: LAMA2 (laminin subunit alpha 2; plus strand). Cytogenetic location: 6q22.33.
Variant type: single nucleotide variant.
Coding change: c.818G>A on transcript NM_000426.4 (MANE Select); coding-DNA position 818, G replaced by A.
Protein change: p.Arg273Lys; replaces arginine 273 with lysine.
Molecular consequence: missense variant.
Genome position (GRCh38, 1-based): chr6:129,144,079, G>A. VCF-style: chr6-129144079-G-A. GRCh37 (hg19) VCF-style: chr6-129465224-G-A.
Other names: c.818G>A, p.Arg273Lys (NM_001079823.2); short protein forms R273K.
Identifiers: ClinVar variation 355244 (VCV000355244.6), dbSNP rs886061043, ClinGen allele CA10625734.
Genomic context (GRCh38, chr6:129,144,079, plus strand): 5'-CTGACTTGATGATGTTTGCTCACAAAGACCCAAGAGAAATTGACCCCATTGTCACCAGAA[G>A]AGTAAGTTATGATGAATCATATTAGAGCCTACAAATGATATCCCACTTATCTTTTTGTCT-3'
Protein context (NP_000417.3, residues 263-283): PREIDPIVTR[Arg273Lys]YYYSVKDISV